The following is an entry in ClinVar:

NM_002473.6(MYH9):c.3058A>G (p.Lys1020Glu)

Gene: MYH9 (myosin heavy chain 9; minus strand). Cytogenetic location: 22q12.3.
Variant type: single nucleotide variant.
Coding change: c.3058A>G on transcript NM_002473.6 (MANE Select); coding-DNA position 3058, A replaced by G.
Protein change: p.Lys1020Glu; replaces lysine 1020 with glutamic acid.
Molecular consequence: missense variant.
Genome position (GRCh38, 1-based): chr22:36,298,961, T>C on the plus strand (A>G on the coding strand, the complement: MYH9 is on the minus strand). VCF-style: chr22-36298961-T-C. GRCh37 (hg19) VCF-style: chr22-36695007-T-C.
Other names: short protein forms K1020E.
Identifiers: ClinVar variation 3236181 (VCV003236181.1), dbSNP rs2517968059, ClinGen allele CA411390948.

ClinVar aggregate classification (germline): Uncertain significance (1 of 4 stars; one submission).

Conditions:
Macrothrombocytopenia and granulocyte inclusions with or without nephritis or sensorineural hearing loss (MATINS). Also called: MAY-HEGGLIN ANOMALY; DOHLE LEUKOCYTE INCLUSIONS WITH GIANT PLATELETS; MACROTHROMBOCYTOPENIA WITH LEUKOCYTE INCLUSIONS; BLEEDING DISORDER, PLATELET-TYPE, 6; SEBASTIAN PLATELET SYNDROME; MACROTHROMBOCYTOPENIA WITH DISPERSED LEUKOCYTIC INCLUSIONS. Identifiers: Orphanet 182050, MedGen C5200934, MONDO:0015912, OMIM 155100.

Submission:

MVZ Medizinische Genetik Mainz
Classification: Uncertain significance for Macrothrombocytopenia and granulocyte inclusions with or without nephritis or sensorineural hearing loss. Last evaluated: 2022-05-30. Review status: criteria provided, single submitter. Criteria: UK Practice Guidelines For Variant Classification V4 01 2020. Collection method: clinical testing. Allele origin: germline. Inheritance: Autosomal dominant inheritance. Observed: 1 variant allele.
Comment: ACMG Criteria: PM2_SUP, PP2, PP3, PP4